The following is an entry in ClinVar:

ClinVar aggregate classification (germline): Likely benign. Review status: criteria provided, single submitter (1 of 4 stars). 2 submissions from 2 submitters: Likely benign (1). 1 of the submissions does not count toward it. Last evaluated 2024-11-26.

Conditions:
ARHGAP29-related disorder. Also called: ARHGAP29-related condition; ARHGAP29-Related Disorders.

Allele frequency attached by ClinVar (database versions not stated): gnomAD 0.00003; TOPMed 0.00003; ExAC 0.00006; ESP Exome Variant Server 0.00008.
gnomAD v4.1: 44 of 1,603,906 alleles (0.0027%); highest among the groups gnomAD compares: South Asian, 0.017%; no homozygotes.

Submissions (2):

Blueprint Genetics
Classification: Likely benign. Last evaluated: 2024-11-26. Review status: criteria provided, single submitter. Criteria: ACMG Guidelines, 2015. Collection method: clinical testing. Allele origin: germline.

PreventionGenetics, part of Exact Sciences
Classification: Likely benign for ARHGAP29-related condition. Last evaluated: 2021-02-22. Review status: no assertion criteria provided. Collection method: clinical testing. Allele origin: germline. Not counted in ClinVar's aggregate classification.
Comment: This variant is classified as likely benign based on ACMG/AMP sequence variant interpretation guidelines (Richards et al. 2015 PMID: 25741868, with internal and published modifications).

NM_004815.4(ARHGAP29):c.3759C>T (p.Leu1253=)

Gene: ARHGAP29 (Rho GTPase activating protein 29; minus strand). Cytogenetic location: 1p22.1.
Variant type: single nucleotide variant.
Coding change: c.3759C>T on transcript NM_004815.4 (MANE Select); coding-DNA position 3759, C replaced by T.
Protein change: p.Leu1253=; no amino-acid change (leucine 1253 retained).
Molecular consequence: synonymous variant.
Genome position (GRCh38, 1-based): chr1:94,173,896, G>A on the plus strand (C>T on the coding strand, the complement: ARHGAP29 is on the minus strand). VCF-style: chr1-94173896-G-A. GRCh37 (hg19) VCF-style: chr1-94639452-G-A.
Other names: c.3759C>T, p.Leu1253= (NM_001328664.2); c.3567C>T, p.Leu1189= (NM_001328665.2, NM_001328667.2); c.3732C>T, p.Leu1244= (NM_001328666.2).
Identifiers: ClinVar variation 3031800 (VCV003031800.3), dbSNP rs375753775, ClinGen allele CA959015.